The following is an entry in ClinVar:

NM_000540.3(RYR1):c.4454+106T>C

Gene: RYR1 (ryanodine receptor 1; plus strand). Cytogenetic location: 19q13.2.
Variant type: single nucleotide variant.
Coding change: c.4454+106T>C on transcript NM_000540.3 (MANE Select); 106 bases into the intron after coding-DNA position 4454, T replaced by C.
Molecular consequence: intron variant.
Genome position (GRCh38, 1-based): chr19:38,477,976, T>C. VCF-style: chr19-38477976-T-C. GRCh37 (hg19) VCF-style: chr19-38968616-T-C.
Other names: c.4454+106T>C (NM_001042723.2).
Identifiers: ClinVar variation 669192 (VCV000669192.1), dbSNP rs7259341, ClinGen allele CA308084710.

ClinVar aggregate classification (germline): Benign (1 of 4 stars; one submission).

Allele frequency attached by ClinVar (database versions not stated): gnomAD exomes 0.00346; gnomAD 0.03179 and 0.03402; 1000 Genomes Project 0.03654; TOPMed 0.03731; 1000 Genomes Project 30x 0.03748.
gnomAD v4.1: 8,622 of 1,186,574 alleles (0.73%); highest among the groups gnomAD compares: African/African-American, 11%; 428 homozygotes.

Submission:

GeneDx
Classification: Benign. Last evaluated: 2018-06-19. Review status: criteria provided, single submitter. Criteria: GeneDx Variant Classification (06012015). Collection method: clinical testing. Allele origin: germline. Affected: yes.
Comment: This variant is considered likely benign or benign based on one or more of the following criteria: it is a conservative change, it occurs at a poorly conserved position in the protein, it is predicted to be benign by multiple in silico algorithms, and/or has population frequency not consistent with disease.